The following is an entry in ClinVar:

NM_005214.5(CTLA4):c.427A>G (p.Ile143Val)

Gene: CTLA4 (cytotoxic T-lymphocyte associated protein 4; plus strand). Cytogenetic location: 2q33.2.
Variant type: single nucleotide variant.
Coding change: c.427A>G on transcript NM_005214.5 (MANE Select); coding-DNA position 427, A replaced by G.
Protein change: p.Ile143Val; replaces isoleucine 143 with valine.
Molecular consequence: missense variant.
Genome position (GRCh38, 1-based): chr2:203,870,903, A>G. VCF-style: chr2-203870903-A-G. GRCh37 (hg19) VCF-style: chr2-204735626-A-G.
Other names: c.427A>G (NM_005214.4); c.427A>G, p.Ile143Val (NM_001037631.3); short protein forms I143V.
Identifiers: ClinVar variation 3906094 (VCV003906094.11).

ClinVar aggregate classification (germline): Conflicting classifications of pathogenicity. Review status: criteria provided, conflicting classifications (1 of 4 stars). 2 submissions from 2 submitters: Uncertain significance (1); Likely benign (1). Last evaluated 2025-06-01.

Conditions:
CTLA4-related disorder. Also called: CTLA4-related condition.

gnomAD v4.1: 1 of 1,613,934 alleles (0.000062%); highest among the groups gnomAD compares: Admixed American, 0.0017%; no homozygotes.

Submissions (2):

CeGaT Center for Human Genetics Tuebingen
Classification: Likely benign. Last evaluated: 2025-06-01. Review status: criteria provided, single submitter. Criteria: CeGaT Center For Human Genetics Tuebingen Variant Classification Criteria Version 2. Collection method: clinical testing. Allele origin: germline. Affected: yes. Observed: 1 variant allele.
Comment: CTLA4: BP4

PreventionGenetics, part of Exact Sciences
Classification: Uncertain significance for CTLA4-related condition. Last evaluated: 2025-05-15. Review status: criteria provided, single submitter. Criteria: ACMG Guidelines, 2015. Collection method: clinical testing. Allele origin: germline.
Comment: The CTLA4 c.427A>G variant is predicted to result in the amino acid substitution p.Ile143Val. To our knowledge, this variant has not been reported in the literature. This variant is reported in 0.0029% of alleles in individuals of Latino descent in gnomAD. At this time, the clinical significance of this variant is uncertain due to the absence of conclusive functional and genetic evidence.